The following is an entry in ClinVar:

ClinVar aggregate classification (germline): Uncertain significance. Review status: criteria provided, multiple submitters, no conflicts (2 of 4 stars). 2 submissions from 2 submitters: Uncertain significance (2). Last evaluated 2025-09-14.

Conditions:
Inborn genetic diseases. Identifiers: MedGen C0950123, MeSH D030342.

Allele frequency attached by ClinVar (database versions not stated): TOPMed 0.00002; gnomAD 0.00001; ESP Exome Variant Server 0.00008.
gnomAD v4.1: 3 of 1,613,402 alleles (0.00019%); highest among the groups gnomAD compares: Admixed American, 0.0017%; no homozygotes.

Submissions (2):

Labcorp Genetics (formerly Invitae), Labcorp
Classification: Uncertain significance. Last evaluated: 2025-09-14. Review status: criteria provided, single submitter. Criteria: Invitae Variant Classification Sherloc (09022015). Collection method: clinical testing. Allele origin: germline.
Comment: This sequence change replaces aspartic acid, which is acidic and polar, with asparagine, which is neutral and polar, at codon 883 of the CDH2 protein (p.Asp883Asn). This variant is present in population databases (rs377612781, gnomAD 0.007%). This variant has not been reported in the literature in individuals affected with CDH2-related conditions. ClinVar contains an entry for this variant (Variation ID: 1794265). An algorithm developed to predict the effect of missense changes on protein structure and function (PolyPhen-2) suggests that this variant is likely to be tolerated. In summary, the available evidence is currently insufficient to determine the role of this variant in disease. Therefore, it has been classified as a Variant of Uncertain Significance.

Ambry Genetics
Classification: Uncertain significance for Inborn genetic diseases. Last evaluated: 2024-05-19. Review status: criteria provided, single submitter. Criteria: Ambry Variant Classification Scheme 2023. Collection method: clinical testing. Allele origin: germline.
Comment: The p.D883N variant (also known as c.2647G>A), located in coding exon 16 of the CDH2 gene, results from a G to A substitution at nucleotide position 2647. The aspartic acid at codon 883 is replaced by asparagine, an amino acid with highly similar properties. This amino acid position is conserved. In addition, this alteration is predicted to be tolerated by in silico analysis. Since supporting evidence is limited at this time, the clinical significance of this alteration remains unclear.

NM_001792.5(CDH2):c.2647G>A (p.Asp883Asn)

Genes: CDH2 (cadherin 2; minus strand), CDH2-AS1 (CDH2 antisense RNA 1; plus strand). Cytogenetic location: 18q12.1.
Variant type: single nucleotide variant.
Coding change: c.2647G>A on transcript NM_001792.5 (MANE Select); coding-DNA position 2647, G replaced by A.
Protein change: p.Asp883Asn; replaces aspartic acid 883 with asparagine.
Molecular consequence: missense variant.
Genome position (GRCh38, 1-based): chr18:27,952,227, C>T on the plus strand (G>A on the coding strand, the complement: CDH2 is on the minus strand). VCF-style: chr18-27952227-C-T. GRCh37 (hg19) VCF-style: chr18-25532191-C-T.
Other names: c.2554G>A, p.Asp852Asn (NM_001308176.2); short protein forms D852N, D883N.
Identifiers: ClinVar variation 1794265 (VCV001794265.6), dbSNP rs377612781, ClinGen allele CA8923096.